The following is an entry in ClinVar:

NM_006767.4(LZTR1):c.2466C>A (p.Asp822Glu)

Gene: LZTR1 (leucine zipper like post translational regulator 1; plus strand). Cytogenetic location: 22q11.21.
Variant type: single nucleotide variant.
Coding change: c.2466C>A on transcript NM_006767.4 (MANE Select); coding-DNA position 2466, C replaced by A.
Protein change: p.Asp822Glu; replaces aspartic acid 822 with glutamic acid.
Molecular consequence: missense variant.
Genome position (GRCh38, 1-based): chr22:20,997,291, C>A. VCF-style: chr22-20997291-C-A. GRCh37 (hg19) VCF-style: chr22-21351580-C-A.
Other names: short protein forms D822E.
Identifiers: ClinVar variation 2447772 (VCV002447772.4), dbSNP rs754448728, ClinGen allele CA410781735.

ClinVar aggregate classification (germline): Uncertain significance. Review status: criteria provided, multiple submitters, no conflicts (2 of 4 stars). 2 submissions from 2 submitters: Uncertain significance (2). Last evaluated 2024-02-13.

Conditions:
Cardiovascular phenotype. Identifiers: MedGen CN230736.
Hereditary cancer-predisposing syndrome. Also called: Neoplastic Syndromes, Hereditary; Hereditary Cancer Syndrome; Tumor predisposition; Hereditary neoplastic syndrome. Identifiers: Orphanet 140162, MedGen C0027672, MeSH D009386, MONDO:0015356.

Submissions (2):

Labcorp Genetics (formerly Invitae), Labcorp
Classification: Uncertain significance. Last evaluated: 2024-02-13. Review status: criteria provided, single submitter. Criteria: Invitae Variant Classification Sherloc (09022015). Collection method: clinical testing. Allele origin: germline.
Comment: This sequence change replaces aspartic acid, which is acidic and polar, with glutamic acid, which is acidic and polar, at codon 822 of the LZTR1 protein (p.Asp822Glu). This variant is not present in population databases (gnomAD no frequency). This variant has not been reported in the literature in individuals affected with LZTR1-related conditions. ClinVar contains an entry for this variant (Variation ID: 2447772). Advanced modeling of protein sequence and biophysical properties (such as structural, functional, and spatial information, amino acid conservation, physicochemical variation, residue mobility, and thermodynamic stability) performed at Invitae indicates that this missense variant is not expected to disrupt LZTR1 protein function with a negative predictive value of 80%. In summary, the available evidence is currently insufficient to determine the role of this variant in disease. Therefore, it has been classified as a Variant of Uncertain Significance.

Ambry Genetics
Classification: Uncertain significance for Cardiovascular phenotype; Hereditary cancer-predisposing syndrome. Last evaluated: 2023-03-12. Review status: criteria provided, single submitter. Criteria: Ambry Variant Classification Scheme 2023. Collection method: clinical testing. Allele origin: germline.
Comment: The p.D822E variant (also known as c.2466C>A), located in coding exon 21 of the LZTR1 gene, results from a C to A substitution at nucleotide position 2466. The aspartic acid at codon 822 is replaced by glutamic acid, an amino acid with highly similar properties. This amino acid position is conserved. In addition, this alteration is predicted to be tolerated by in silico analysis. Since supporting evidence is limited at this time, the clinical significance of this alteration remains unclear.